The following is an entry in ClinVar:

ClinVar aggregate classification (germline): Uncertain significance (1 of 4 stars; one submission).

Allele frequency attached by ClinVar (database versions not stated): gnomAD exomes below 0.00001.
gnomAD v4.1: 6 of 1,614,006 alleles (0.00037%); highest among the groups gnomAD compares: Non-Finnish European, 0.00051%; no homozygotes.

Submission:

Labcorp Genetics (formerly Invitae), Labcorp
Classification: Uncertain significance. Last evaluated: 2022-04-08. Review status: criteria provided, single submitter. Criteria: Invitae Variant Classification Sherloc (09022015). Collection method: clinical testing. Allele origin: germline.
Comment: In summary, the available evidence is currently insufficient to determine the role of this variant in disease. Therefore, it has been classified as a Variant of Uncertain Significance. Advanced modeling of protein sequence and biophysical properties (such as structural, functional, and spatial information, amino acid conservation, physicochemical variation, residue mobility, and thermodynamic stability) performed at Invitae indicates that this missense variant is not expected to disrupt SERPING1 protein function. This variant has not been reported in the literature in individuals affected with SERPING1-related conditions. This variant is present in population databases (no rsID available, gnomAD 0.0009%). This sequence change replaces asparagine, which is neutral and polar, with threonine, which is neutral and polar, at codon 272 of the SERPING1 protein (p.Asn272Thr).

NM_000062.3(SERPING1):c.815A>C (p.Asn272Thr)

Gene: SERPING1 (serpin family G member 1; plus strand). Cytogenetic location: 11q12.1.
Variant type: single nucleotide variant.
Coding change: c.815A>C on transcript NM_000062.3 (MANE Select); coding-DNA position 815, A replaced by C.
Protein change: p.Asn272Thr; replaces asparagine 272 with threonine.
Molecular consequence: missense variant.
Genome position (GRCh38, 1-based): chr11:57,606,139, A>C. VCF-style: chr11-57606139-A-C. GRCh37 (hg19) VCF-style: chr11-57373612-A-C.
Other names: c.815A>C, p.Asn272Thr (NM_001032295.2); short protein forms N272T.
Identifiers: ClinVar variation 2123241 (VCV002123241.4), dbSNP rs1252326446, ClinGen allele CA380699395.
Genomic context (GRCh38, chr11:57,606,139, plus strand): 5'-GCAACAACAGTGACGCCAACTTGGAGCTCATCAACACCTGGGTGGCCAAGAACACCAACA[A>C]CAAGATCAGCCGGCTGCTAGACAGTCTGCCCTCCGATACCCGCCTTGTCCTCCTCAATGC-3'
Protein context (NP_000053.2, residues 262-282): INTWVAKNTN[Asn272Thr]KISRLLDSLP